The following is an entry in ClinVar:

ClinVar aggregate classification (germline): Pathogenic (1 of 4 stars; one submission).

Conditions:
Imagawa-Matsumoto syndrome. Identifiers: Orphanet 659463, MedGen C5394073, MONDO:0032916, OMIM 618786.

Submission:

Laboratory of Medical Genetics, National & Kapodistrian University of Athens
Classification: Pathogenic for Imagawa-Matsumoto syndrome. Last evaluated: 2024-03-11. Review status: criteria provided, single submitter. Criteria: ACMG Guidelines, 2015. Collection method: clinical testing. Allele origin: de novo. Affected: yes.
Comment: PS2, PM1, PM2, PM5, PP3 - Absent from gnomAD. In silico prediction tools estimated that the variant could be damaging for the protein function/stracture. The variant was detected de novo (paternity confirmed).

NM_015355.4(SUZ12):c.1828G>C (p.Glu610Gln)

Gene: SUZ12 (SUZ12 polycomb repressive complex 2 subunit; plus strand). Cytogenetic location: 17q11.2.
Variant type: single nucleotide variant.
Coding change: c.1828G>C on transcript NM_015355.4 (MANE Select); coding-DNA position 1828, G replaced by C.
Protein change: p.Glu610Gln; replaces glutamic acid 610 with glutamine.
Molecular consequence: missense variant.
Genome position (GRCh38, 1-based): chr17:31,996,831, G>C. VCF-style: chr17-31996831-G-C. GRCh37 (hg19) VCF-style: chr17-30323850-G-C.
Other names: c.1759G>C, p.Glu587Gln (NM_001321207.2); short protein forms E587Q, E610Q.
Identifiers: ClinVar variation 3256587 (VCV003256587.1).